The following is an entry in ClinVar:

ClinVar aggregate classification (germline): Uncertain significance (1 of 4 stars; one submission).

Submission:

Labcorp Genetics (formerly Invitae), Labcorp
Classification: Uncertain significance. Last evaluated: 2022-02-22. Review status: criteria provided, single submitter. Criteria: Invitae Variant Classification Sherloc (09022015). Collection method: clinical testing. Allele origin: germline.
Comment: In summary, the available evidence is currently insufficient to determine the role of this variant in disease. Therefore, it has been classified as a Variant of Uncertain Significance. This variant is not present in population databases (gnomAD no frequency). Algorithms developed to predict the effect of missense changes on protein structure and function are either unavailable or do not agree on the potential impact of this missense change (SIFT: "Tolerated"; PolyPhen-2: "Probably Damaging"; Align-GVGD: "Class C0"). This variant has not been reported in the literature in individuals affected with PROM1-related conditions. This sequence change replaces lysine, which is basic and polar, with glutamic acid, which is acidic and polar, at codon 513 of the PROM1 protein (p.Lys513Glu).

NM_006017.3(PROM1):c.1537A>G (p.Lys513Glu)

Gene: PROM1 (prominin 1; minus strand). Cytogenetic location: 4p15.32.
Variant type: single nucleotide variant.
Coding change: c.1537A>G on transcript NM_006017.3 (MANE Select); coding-DNA position 1537, A replaced by G.
Protein change: p.Lys513Glu; replaces lysine 513 with glutamic acid.
Molecular consequence: missense variant.
Genome position (GRCh38, 1-based): chr4:16,000,537, T>C on the plus strand (A>G on the coding strand, the complement: PROM1 is on the minus strand). VCF-style: chr4-16000537-T-C. GRCh37 (hg19) VCF-style: chr4-16002160-T-C.
Other names: c.1510A>G, p.Lys504Glu (NM_001145847.2, NM_001145848.2, NM_001145851.2 and 4 more transcripts); c.1537A>G, p.Lys513Glu (NM_001145849.2, NM_001145850.2); short protein forms K513E, K504E.
Identifiers: ClinVar variation 2101989 (VCV002101989.4), dbSNP rs2529945030, ClinGen allele CA356433108.
Genomic context (GRCh38, chr4:16,000,537, plus strand): 5'-GGTAGAAAATCATATTTACCCGGAATAATTCCTTGCTCGTGTAAGGTTCACAGATCAGTT[T>C]TTCCACATTTGCACCAAAGACAAAGGTAAGAACCACAATGATCATCAATATCCAGCAAAA-3'
Protein context (NP_006008.1, residues 503-523): LTFVFGANVE[Lys513Glu]LICEPYTSKE